The following is an entry in ClinVar:

NM_033402.5(LRRCC1):c.2154+1G>C

Gene: LRRCC1 (leucine rich repeat and coiled-coil centrosomal protein 1; plus strand). Cytogenetic location: 8q21.2.
Variant type: single nucleotide variant.
Coding change: c.2154+1G>C on transcript NM_033402.5 (MANE Select); the canonical splice donor site of the intron after coding-DNA position 2154, G replaced by C.
Molecular consequence: splice donor variant.
Genome position (GRCh38, 1-based): chr8:85,135,033, G>C. VCF-style: chr8-85135033-G-C. GRCh37 (hg19) VCF-style: chr8-86047268-G-C.
Other names: c.1728+1G>C (NM_001349637.2); c.1257+1G>C (NM_001349638.2); c.1875+1G>C (NM_001349636.2); c.1017+1G>C (NM_001349639.2).
Identifiers: ClinVar variation 3660894 (VCV003660894.2).

ClinVar aggregate classification (germline): Uncertain significance (1 of 4 stars; one submission).

Submission:

Labcorp Genetics (formerly Invitae), Labcorp
Classification: Uncertain significance. Last evaluated: 2024-08-05. Review status: criteria provided, single submitter. Criteria: Invitae Variant Classification Sherloc (09022015). Collection method: clinical testing. Allele origin: germline.
Comment: This sequence change affects a donor splice site in intron 13 of the LRRCC1 gene. It is expected to disrupt RNA splicing. Variants that disrupt the donor or acceptor splice site typically lead to a loss of protein function (PMID: 16199547), however the current clinical and genetic evidence is not sufficient to establish whether loss-of-function variants in LRRCC1 cause disease. This variant is not present in population databases (gnomAD no frequency). This variant has not been reported in the literature in individuals affected with LRRCC1-related conditions. Algorithms developed to predict the effect of sequence changes on RNA splicing suggest that this variant may disrupt the consensus splice site. In summary, the available evidence is currently insufficient to determine the role of this variant in disease. Therefore, it has been classified as a Variant of Uncertain Significance.

Literature cited by the submitters: PubMed 16199547.